The following is an entry in ClinVar:

ClinVar aggregate classification (germline): Uncertain significance. Review status: criteria provided, multiple submitters, no conflicts (2 of 4 stars). 3 submissions from 3 submitters: Uncertain significance (3). Last evaluated 2023-10-13.

Conditions:
Inborn genetic diseases. Identifiers: MedGen C0950123, MeSH D030342.
Pontocerebellar hypoplasia type 3 (PCH3). Also called: PCH WITH OPTIC ATROPHY; CEREBELLAR ATROPHY WITH PROGRESSIVE MICROCEPHALY. Identifiers: Orphanet 97249, MedGen C1842687, MONDO:0011948, OMIM 608027.

Allele frequency attached by ClinVar (database versions not stated): gnomAD exomes 0.00004; gnomAD 0.00006; TOPMed 0.00006; 1000 Genomes Project 30x 0.00016; 1000 Genomes Project 0.00020.
gnomAD v4.1: 93 of 1,611,838 alleles (0.0058%); highest among the groups gnomAD compares: East Asian, 0.011%; no homozygotes.

Submissions (3):

Ambry Genetics
Classification: Uncertain significance for Inborn genetic diseases. Last evaluated: 2023-10-13. Review status: criteria provided, single submitter. Criteria: Ambry Variant Classification Scheme 2023. Collection method: clinical testing. Allele origin: germline.

Neuberg Centre For Genomic Medicine, NCGM
Classification: Uncertain significance for Pontocerebellar hypoplasia type 3. Last evaluated: 2023-06-02. Review status: criteria provided, single submitter. Criteria: ACMG Guidelines, 2015. Collection method: clinical testing. Allele origin: germline. Inheritance: Autosomal recessive inheritance. Affected: yes.
Comment: The observed missense c.12232C>T (p.Arg4078Cys) variant in PCLO gene has not been reported previously as a pathogenicvariantnor as a benign variant, to our knowledge. The p.Arg4078Cys variant is present with allele frequency of 0.004% in gnomADExomes. This variant has been submitted to the ClinVar database as Uncertain Significance. Multiple lines of computationalevidence (Polyphen - Probably Damaging, SIFT - Damaging and Mutation Taster - Disease causing) predict a damaging effect onprotein structure and function for this variant. The reference amino acid of p.Arg4078Cys in PCLO is predicted as conserved byGERP++and PhyloP across 100 vertebrates. The amino acid Arg at position 4078 is changed to a Cys changing protein sequenceand it might alter its composition and physico-chemical properties. For these reasons, this variant has been classified as aVariant o fUncertain Significance (VUS).

Labcorp Genetics (formerly Invitae), Labcorp
Classification: Uncertain significance. Last evaluated: 2022-10-17. Review status: criteria provided, single submitter. Criteria: Invitae Variant Classification Sherloc (09022015). Collection method: clinical testing. Allele origin: germline.
Comment: This sequence change replaces arginine, which is basic and polar, with cysteine, which is neutral and slightly polar, at codon 4078 of the PCLO protein (p.Arg4078Cys). This variant is present in population databases (rs150669313, gnomAD 0.02%). This variant has not been reported in the literature in individuals affected with PCLO-related conditions. ClinVar contains an entry for this variant (Variation ID: 1357698). Algorithms developed to predict the effect of missense changes on protein structure and function are either unavailable or do not agree on the potential impact of this missense change (SIFT: "Deleterious"; PolyPhen-2: "Not Available"; Align-GVGD: "Class C0"). In summary, the available evidence is currently insufficient to determine the role of this variant in disease. Therefore, it has been classified as a Variant of Uncertain Significance.

NM_033026.6(PCLO):c.12232C>T (p.Arg4078Cys)

Gene: PCLO (piccolo presynaptic cytomatrix protein; minus strand). Cytogenetic location: 7q21.11.
Variant type: single nucleotide variant.
Coding change: c.12232C>T on transcript NM_033026.6 (MANE Select); coding-DNA position 12232, C replaced by T.
Protein change: p.Arg4078Cys; replaces arginine 4078 with cysteine.
Molecular consequence: missense variant.
Genome position (GRCh38, 1-based): chr7:82,915,754, G>A on the plus strand (C>T on the coding strand, the complement: PCLO is on the minus strand). VCF-style: chr7-82915754-G-A. GRCh37 (hg19) VCF-style: chr7-82545070-G-A.
Other names: c.12232C>T, p.Arg4078Cys (NM_014510.3); c.12232C>T (NM_033026.5); short protein forms R4078C.
Identifiers: ClinVar variation 1357698 (VCV001357698.7), dbSNP rs150669313, ClinGen allele CA4319415.